The following is an entry in ClinVar:

ClinVar aggregate classification (germline): Likely benign (1 of 4 stars; one submission).

Submission:

CeGaT Center for Human Genetics Tuebingen
Classification: Likely benign. Last evaluated: 2025-05-01. Review status: criteria provided, single submitter. Criteria: CeGaT Center For Human Genetics Tuebingen Variant Classification Criteria Version 2. Collection method: clinical testing. Allele origin: germline. Affected: yes. Observed: 1 variant allele.
Comment: DHX16: BP4, BP7

NM_003587.5(DHX16):c.1698C>T (p.Asp566=)

Gene: DHX16 (DEAH-box helicase 16; minus strand). Cytogenetic location: 6p21.33.
Variant type: single nucleotide variant.
Coding change: c.1698C>T on transcript NM_003587.5 (MANE Select); coding-DNA position 1698, C replaced by T.
Protein change: p.Asp566=; no amino-acid change (aspartic acid 566 retained).
Molecular consequence: synonymous variant.
Genome position (GRCh38, 1-based): chr6:30,660,089, G>A on the plus strand (C>T on the coding strand, the complement: DHX16 is on the minus strand). VCF-style: chr6-30660089-G-A. GRCh37 (hg19) VCF-style: chr6-30627866-G-A.
Other names: c.1518C>T, p.Asp506= (NM_001164239.2); c.255C>T, p.Asp85= (NM_001363515.2).
Identifiers: ClinVar variation 3905131 (VCV003905131.10).